The following is an entry in ClinVar:

ClinVar aggregate classification (germline): Uncertain significance (1 of 4 stars; one submission).

Conditions:
Leber congenital amaurosis 2 (LCA2). Also called: AMAUROSIS CONGENITA OF LEBER II; Autosomal Recessive RPE65-Related Retinal Degeneration. Identifiers: Orphanet 65, MedGen C1859844, MONDO:0008765, OMIM 204100. Disease mechanism: loss of function.
Retinitis pigmentosa 20 (RP20). Identifiers: Orphanet 791, MedGen C3151086, MONDO:0013425, OMIM 613794.

Allele frequency attached by ClinVar (database versions not stated): gnomAD exomes below 0.00001.

Submission:

Labcorp Genetics (formerly Invitae), Labcorp
Classification: Uncertain significance for Leber congenital amaurosis 2; Retinitis pigmentosa 20. Last evaluated: 2022-03-29. Review status: criteria provided, single submitter. Criteria: Invitae Variant Classification Sherloc (09022015). Collection method: clinical testing. Allele origin: germline.
Comment: This sequence change replaces isoleucine, which is neutral and non-polar, with valine, which is neutral and non-polar, at codon 206 of the RPE65 protein (p.Ile206Val). This variant is present in population databases (no rsID available, gnomAD 0.006%). This variant has not been reported in the literature in individuals affected with RPE65-related conditions. Algorithms developed to predict the effect of missense changes on protein structure and function (SIFT, PolyPhen-2, Align-GVGD) all suggest that this variant is likely to be tolerated. This variant disrupts the p.Ile206 amino acid residue in RPE65. Other variant(s) that disrupt this residue have been determined to be pathogenic (PMID: 32037395; Invitae). This suggests that this residue is clinically significant, and that variants that disrupt this residue are likely to be disease-causing. In summary, the available evidence is currently insufficient to determine the role of this variant in disease. Therefore, it has been classified as a Variant of Uncertain Significance.

Literature cited by the submitters: PubMed 32037395.

NM_000329.3(RPE65):c.616A>G (p.Ile206Val)

Gene: RPE65 (retinoid isomerohydrolase RPE65; minus strand). Cytogenetic location: 1p31.3.
Variant type: single nucleotide variant.
Coding change: c.616A>G on transcript NM_000329.3 (MANE Select); coding-DNA position 616, A replaced by G.
Protein change: p.Ile206Val; replaces isoleucine 206 with valine.
Molecular consequence: missense variant.
Genome position (GRCh38, 1-based): chr1:68,440,880, T>C on the plus strand (A>G on the coding strand, the complement: RPE65 is on the minus strand). VCF-style: chr1-68440880-T-C. GRCh37 (hg19) VCF-style: chr1-68906563-T-C.
Other names: c.508A>G, p.Ile170Val (NM_001406853.1); c.340A>G, p.Ile114Val (NM_001406856.1, NM_001406857.1); c.616A>G, p.Ile206Val (NM_001406859.1); short protein forms I170V, I206V, I114V.
Identifiers: ClinVar variation 1948665 (VCV001948665.5), dbSNP rs1367807503, ClinGen allele CA340746853.
Genomic context (GRCh38, chr1:68,440,880, plus strand): 5'-TATTTTCAGAAGAGGACAGATTGGTAAACTCACCTGCTTGCAGTGGTGGGATCTTTACAA[T>C]GTTGTAGGCAATTGAAAAATTTTTTCCAAAGCAATTACCAATATTGTAAACGGTTCCATC-3'
Protein context (NP_000320.1, residues 196-216): FGKNFSIAYN[Ile206Val]VKIPPLQADK